The following is an entry in ClinVar:

ClinVar aggregate classification (germline): Uncertain significance (1 of 4 stars; one submission).

Allele frequency attached by ClinVar (database versions not stated): gnomAD exomes below 0.00001 and 0.00001; TOPMed below 0.00001; ExAC 0.00001; gnomAD 0.00001; ESP Exome Variant Server 0.00008.
gnomAD v4.1: 2 of 1,315,722 alleles (0.00015%); highest among the groups gnomAD compares: Non-Finnish European, 0.0002%; no homozygotes.

Submission:

Labcorp Genetics (formerly Invitae), Labcorp
Classification: Uncertain significance. Last evaluated: 2020-10-29. Review status: criteria provided, single submitter. Criteria: Invitae Variant Classification Sherloc (09022015). Collection method: clinical testing. Allele origin: germline.
Comment: This sequence change replaces glutamic acid with lysine at codon 18 of the CPA1 protein (p.Glu18Lys). The glutamic acid residue is highly conserved and there is a small physicochemical difference between glutamic acid and lysine. This variant is present in population databases (rs147790644, ExAC 0.002%). This variant has not been reported in the literature in individuals with CPA1-related conditions. Algorithms developed to predict the effect of missense changes on protein structure and function (SIFT, PolyPhen-2, Align-GVGD) all suggest that this variant is likely to be tolerated, but these predictions have not been confirmed by published functional studies and their clinical significance is uncertain. In summary, the available evidence is currently insufficient to determine the role of this variant in disease. Therefore, it has been classified as a Variant of Uncertain Significance.

NM_001868.4(CPA1):c.52G>A (p.Glu18Lys)

Gene: CPA1 (carboxypeptidase A1; plus strand). Cytogenetic location: 7q32.2.
Variant type: single nucleotide variant.
Coding change: c.52G>A on transcript NM_001868.4 (MANE Select); coding-DNA position 52, G replaced by A.
Protein change: p.Glu18Lys; replaces glutamic acid 18 with lysine.
Molecular consequence: missense variant.
Genome position (GRCh38, 1-based): chr7:130,380,572, G>A. VCF-style: chr7-130380572-G-A. GRCh37 (hg19) VCF-style: chr7-130020413-G-A.
Other names: short protein forms E18K.
Identifiers: ClinVar variation 1481683 (VCV001481683.8), dbSNP rs147790644, ClinGen allele CA4484654.
Genomic context (GRCh38, chr7:130,380,572, plus strand): 5'-GGCAGCAGCATGCGGGGGTTGCTGGTGTTGAGTGTCCTGTTGGGGGCTGTCTTTGGCAAG[G>A]AGGACTTTGTGGGGTAGGGATGTGGAGAGGAGGGGGTGCCCTCTGAGGGTGATGGGGAGG-3'
Protein context (NP_001859.1, residues 8-28): SVLLGAVFGK[Glu18Lys]DFVGHQVLRI